The following is an entry in ClinVar:

ClinVar aggregate classification (germline): Uncertain significance (1 of 4 stars; one submission).

gnomAD v4.1: 6 of 1,613,950 alleles (0.00037%); highest among the groups gnomAD compares: Non-Finnish European, 0.00042%; no homozygotes.

Submission:

Ambry Genetics
Classification: Uncertain significance. Last evaluated: 2026-02-13. Review status: criteria provided, single submitter. Criteria: Ambry Variant Classification Scheme 2023. Collection method: clinical testing. Allele origin: germline.
Comment: The p.V230M variant (also known as c.688G>A), located in coding exon 6 of the PKP4 gene, results from a G to A substitution at nucleotide position 688. The valine at codon 230 is replaced by methionine, an amino acid with highly similar properties. This amino acid position is conserved. In addition, this alteration is predicted to be tolerated by in silico analysis. Based on the available evidence, the clinical significance of this variant remains unclear.

NM_003628.6(PKP4):c.688G>A (p.Val230Met)

Gene: PKP4 (plakophilin 4; plus strand). Cytogenetic location: 2q24.1.
Variant type: single nucleotide variant.
Coding change: c.688G>A on transcript NM_003628.6 (MANE Select); coding-DNA position 688, G replaced by A.
Protein change: p.Val230Met; replaces valine 230 with methionine.
Molecular consequence: missense variant. On other transcripts: 5 prime UTR variant (1).
Genome position (GRCh38, 1-based): chr2:158,624,962, G>A. VCF-style: chr2-158624962-G-A. GRCh37 (hg19) VCF-style: chr2-159481474-G-A.
Other names: c.688G>A, p.Val230Met (NM_001005476.4, NM_001304969.3, NM_001304971.2 and 6 more transcripts); c.-339G>A (NM_001304970.3); c.682G>A, p.Val228Met (NM_001377222.1, NM_001377223.1, NM_001377224.1); short protein forms V230M, V228M.
Identifiers: ClinVar variation 4844317 (VCV004844317.1).